The following is an entry in ClinVar:

NM_138386.3(NAF1):c.1339G>A (p.Val447Ile)

Gene: NAF1 (nuclear assembly factor 1 ribonucleoprotein; minus strand). Cytogenetic location: 4q32.2.
Variant type: single nucleotide variant.
Coding change: c.1339G>A on transcript NM_138386.3 (MANE Select); coding-DNA position 1339, G replaced by A.
Protein change: p.Val447Ile; replaces valine 447 with isoleucine.
Molecular consequence: missense variant. On other transcripts: intron variant (1).
Genome position (GRCh38, 1-based): chr4:163,129,043, C>T on the plus strand (G>A on the coding strand, the complement: NAF1 is on the minus strand). VCF-style: chr4-163129043-C-T. GRCh37 (hg19) VCF-style: chr4-164050195-C-T.
Other names: c.1034-1928G>A (NM_001128931.2); short protein forms V447I.
Identifiers: ClinVar variation 2979668 (VCV002979668.3), dbSNP rs1012073639, ClinGen allele CA110029818.
Genomic context (GRCh38, chr4:163,129,043, plus strand): 5'-AGTATGGTAAGTTAAGTAATGGATGAGCAGCCATGTTTGGTGTAGCCCAACCCATGTTTA[C>T]AGGTGGGGGTGGTGGTGGGGGTGGAGGGCGGAGGGGAAAATTATGCATGTCAAACACTGG-3'
Protein context (NP_612395.2, residues 437-457): RPPPPPPPPP[Val447Ile]NMGWATPNMA

ClinVar aggregate classification (germline): Uncertain significance (1 of 4 stars; one submission).

Allele frequency attached by ClinVar (database versions not stated): gnomAD exomes 0.00004; gnomAD 0.00006.
gnomAD v4.1: 43 of 1,106,108 alleles (0.0039%); highest among the groups gnomAD compares: Non-Finnish European, 0.0048%; no homozygotes.

Submission:

Labcorp Genetics (formerly Invitae), Labcorp
Classification: Uncertain significance. Last evaluated: 2024-04-29. Review status: criteria provided, single submitter. Criteria: Invitae Variant Classification Sherloc (09022015). Collection method: clinical testing. Allele origin: germline.
Comment: This sequence change replaces valine, which is neutral and non-polar, with isoleucine, which is neutral and non-polar, at codon 447 of the NAF1 protein (p.Val447Ile). This variant is present in population databases (no rsID available, gnomAD 0.007%). This variant has not been reported in the literature in individuals affected with NAF1-related conditions. An algorithm developed to predict the effect of missense changes on protein structure and function (PolyPhen-2) suggests that this variant is likely to be tolerated. In summary, the available evidence is currently insufficient to determine the role of this variant in disease. Therefore, it has been classified as a Variant of Uncertain Significance.